The following is an entry in ClinVar:

ClinVar aggregate classification (germline): Conflicting classifications of pathogenicity. Review status: criteria provided, conflicting classifications (1 of 4 stars). 2 submissions from 2 submitters: Uncertain significance (1); Likely benign (1). Last evaluated 2023-07-25.

Conditions:
Inborn genetic diseases. Identifiers: MedGen C0950123, MeSH D030342.

Allele frequency attached by ClinVar (database versions not stated): TOPMed below 0.00001; gnomAD 0.00001 and 0.00003; ExAC 0.00022.
gnomAD v4.1: 32 of 1,535,938 alleles (0.0021%); highest among the groups gnomAD compares: South Asian, 0.033%; 1 homozygote.

Submissions (2):

Ambry Genetics
Classification: Likely benign for Inborn genetic diseases. Last evaluated: 2023-07-25. Review status: criteria provided, single submitter. Criteria: Ambry Variant Classification Scheme 2023. Collection method: clinical testing. Allele origin: germline.

GeneDx
Classification: Uncertain significance. Last evaluated: 2019-09-03. Review status: criteria provided, single submitter. Criteria: GeneDx Variant Classification Process June 2021. Collection method: clinical testing. Allele origin: germline. Affected: yes.
Comment: In silico analysis, which includes protein predictors and evolutionary conservation, supports that this variant does not alter protein structure/function; Has not been previously published as pathogenic or benign to our knowledge

NM_003737.4(DCHS1):c.4303G>A (p.Ala1435Thr)

Gene: DCHS1 (dachsous cadherin-related 1; minus strand). Cytogenetic location: 11p15.4.
Variant type: single nucleotide variant.
Coding change: c.4303G>A on transcript NM_003737.4 (MANE Select); coding-DNA position 4303, G replaced by A.
Protein change: p.Ala1435Thr; replaces alanine 1435 with threonine.
Molecular consequence: missense variant.
Genome position (GRCh38, 1-based): chr11:6,630,491, C>T on the plus strand (G>A on the coding strand, the complement: DCHS1 is on the minus strand). VCF-style: chr11-6630491-C-T. GRCh37 (hg19) VCF-style: chr11-6651722-C-T.
Other names: c.4303G>A (NM_003737.2); short protein forms A1435T.
Identifiers: ClinVar variation 1308133 (VCV001308133.4), dbSNP rs781099697, ClinGen allele CA5860352.